The following is an entry in ClinVar:

NM_003274.5(TRAPPC10):c.915T>A (p.Asp305Glu)

Gene: TRAPPC10 (trafficking protein particle complex subunit 10; plus strand). Cytogenetic location: 21q22.3.
Variant type: single nucleotide variant.
Coding change: c.915T>A on transcript NM_003274.5 (MANE Select); coding-DNA position 915, T replaced by A.
Protein change: p.Asp305Glu; replaces aspartic acid 305 with glutamic acid.
Molecular consequence: missense variant.
Genome position (GRCh38, 1-based): chr21:44,063,662, T>A. VCF-style: chr21-44063662-T-A. GRCh37 (hg19) VCF-style: chr21-45483543-T-A.
Other names: short protein forms D305E.
Identifiers: ClinVar variation 5038994 (VCV005038994.1).
Genomic context (GRCh38, chr21:44,063,662, plus strand): 5'-AAAACCCATAGATATGGAGAAGCGGGAATCGATCCAGAGGCGAGAAGCCACCCTGTTAGA[T>A]CTGCGCAGTTACCTGTTCTCTCGCCAGTGCACCTTGCTGCTCTTCCTGCAGAGGCCGTGG-3'
Protein context (NP_003265.3, residues 295-315): SIQRREATLL[Asp305Glu]LRSYLFSRQC

ClinVar aggregate classification (germline): Likely benign (1 of 4 stars; one submission).

gnomAD v4.1: 973 of 1,614,210 alleles (0.06%); highest among the groups gnomAD compares: African/African-American, 1.1%; 7 homozygotes.

Submission:

CeGaT Center for Human Genetics Tuebingen
Classification: Likely benign. Last evaluated: 2026-07-01. Review status: criteria provided, single submitter. Criteria: CeGaT Center For Human Genetics Tuebingen Variant Classification Criteria Version 2. Collection method: clinical testing. Allele origin: germline. Affected: yes. Observed: 1 variant allele.
Comment: TRAPPC10: BS1